The following is an entry in ClinVar:

NM_080424.4(SP110):c.952G>C (p.Val318Leu)

Genes: SP110 (SP110 nuclear body protein; minus strand), SP140 (SP140 nuclear body protein; plus strand). Cytogenetic location: 2q37.1.
Variant type: single nucleotide variant.
Coding change: c.952G>C on transcript NM_080424.4 (MANE Select); coding-DNA position 952, G replaced by C.
Protein change: p.Val318Leu; replaces valine 318 with leucine.
Molecular consequence: missense variant. On other transcripts: intron variant (1).
Genome position (GRCh38, 1-based): chr2:230,202,675, C>G on the plus strand (G>C on the coding strand, the complement: SP110 is on the minus strand). VCF-style: chr2-230202675-C-G. GRCh37 (hg19) VCF-style: chr2-231067391-C-G.
Other names: c.970G>C, p.Val324Leu (NM_001185015.2, NM_001378442.1, NM_001378444.1 and 2 more transcripts); c.952G>C, p.Val318Leu (NM_001378443.1, NM_004509.5, NM_004510.4); c.899-1710G>C (NM_001378447.1); short protein forms V324L, V318L.
Identifiers: ClinVar variation 661665 (VCV000661665.7), dbSNP rs201742692, ClinGen allele CA2154674.

ClinVar aggregate classification (germline): Uncertain significance. Review status: criteria provided, multiple submitters, no conflicts (2 of 4 stars). 2 submissions from 2 submitters: Uncertain significance (2). Last evaluated 2025-01-20.

Conditions:
Inborn genetic diseases. Identifiers: MedGen C0950123, MeSH D030342.
Hepatic veno-occlusive disease-immunodeficiency syndrome. Also called: Hepatic Veno-Occlusive Disease with Immunodeficiency. Identifiers: Orphanet 79124, MedGen C1856128, MONDO:0009338, OMIM 235550. Disease mechanism: loss of function.

Allele frequency attached by ClinVar (database versions not stated): gnomAD 0.00003; TOPMed 0.00003.
gnomAD v4.1: 80 of 1,614,002 alleles (0.005%); highest among the groups gnomAD compares: Non-Finnish European, 0.0058%; no homozygotes.

Submissions (2):

Ambry Genetics
Classification: Uncertain significance for Inborn genetic diseases. Last evaluated: 2025-01-20. Review status: criteria provided, single submitter. Criteria: Ambry Variant Classification Scheme 2023. Collection method: clinical testing. Allele origin: germline.

Labcorp Genetics (formerly Invitae), Labcorp
Classification: Uncertain significance for Hepatic veno-occlusive disease-immunodeficiency syndrome. Last evaluated: 2022-06-04. Review status: criteria provided, single submitter. Criteria: Invitae Variant Classification Sherloc (09022015). Collection method: clinical testing. Allele origin: germline.
Comment: In summary, the available evidence is currently insufficient to determine the role of this variant in disease. Therefore, it has been classified as a Variant of Uncertain Significance. Algorithms developed to predict the effect of missense changes on protein structure and function (SIFT, PolyPhen-2, Align-GVGD) all suggest that this variant is likely to be tolerated. ClinVar contains an entry for this variant (Variation ID: 661665). This variant has not been reported in the literature in individuals affected with SP110-related conditions. This sequence change replaces valine, which is neutral and non-polar, with leucine, which is neutral and non-polar, at codon 318 of the SP110 protein (p.Val318Leu). This variant is present in population databases (rs201742692, gnomAD 0.02%).